The following is an entry in ClinVar:

NM_001394062.1(MACF1):c.15053G>A (p.Ser5018Asn)

Gene: MACF1 (microtubule actin crosslinking factor 1; plus strand). Cytogenetic location: 1p34.3.
Variant type: single nucleotide variant.
Coding change: c.15053G>A on transcript NM_001394062.1 (MANE Select); coding-DNA position 15053, G replaced by A.
Protein change: p.Ser5018Asn; replaces serine 5018 with asparagine.
Molecular consequence: missense variant.
Genome position (GRCh38, 1-based): chr1:39,387,895, G>A. VCF-style: chr1-39387895-G-A. GRCh37 (hg19) VCF-style: chr1-39853567-G-A.
Other names: c.8867G>A, p.Ser2956Asn (NM_012090.5); short protein forms S2956N, S5018N.
Identifiers: ClinVar variation 4538713 (VCV004538713.1).

ClinVar aggregate classification (germline): Uncertain significance (1 of 4 stars; one submission).

Submission:

GeneDx
Classification: Uncertain significance. Last evaluated: 2025-06-16. Review status: criteria provided, single submitter. Criteria: GeneDx Variant Classification Process June 2021. Collection method: clinical testing. Allele origin: germline. Affected: yes.
Comment: Not observed at significant frequency in large population cohorts (gnomAD); In silico analysis suggests that this missense variant does not alter protein structure/function; Has not been previously published as pathogenic or benign to our knowledge